The following is an entry in ClinVar:

ClinVar aggregate classification (germline): Uncertain significance (1 of 4 stars; one submission).

Allele frequency attached by ClinVar (database versions not stated): gnomAD exomes below 0.00001; TOPMed 0.00002; gnomAD 0.00004.
gnomAD v4.1: 7 of 1,613,296 alleles (0.00043%); highest among the groups gnomAD compares: African/African-American, 0.0093%; no homozygotes.

Submission:

Labcorp Genetics (formerly Invitae), Labcorp
Classification: Uncertain significance. Last evaluated: 2023-09-03. Review status: criteria provided, single submitter. Criteria: Invitae Variant Classification Sherloc (09022015). Collection method: clinical testing. Allele origin: germline.
Comment: In summary, the available evidence is currently insufficient to determine the role of this variant in disease. Therefore, it has been classified as a Variant of Uncertain Significance. Algorithms developed to predict the effect of sequence changes on RNA splicing suggest that this variant may disrupt the consensus splice site. This variant has not been reported in the literature in individuals affected with PLG-related conditions. This variant is not present in population databases (gnomAD no frequency). This sequence change falls in intron 11 of the PLG gene. It does not directly change the encoded amino acid sequence of the PLG protein.

NM_000301.5(PLG):c.1439-12T>A

Gene: PLG (plasminogen; plus strand). Cytogenetic location: 6q26.
Variant type: single nucleotide variant.
Coding change: c.1439-12T>A on transcript NM_000301.5 (MANE Select); 12 bases into the intron before coding-DNA position 1439, T replaced by A.
Molecular consequence: intron variant.
Genome position (GRCh38, 1-based): chr6:160,731,733, T>A. VCF-style: chr6-160731733-T-A. GRCh37 (hg19) VCF-style: chr6-161152765-T-A.
Identifiers: ClinVar variation 2957955 (VCV002957955.3), dbSNP rs953930461, ClinGen allele CA151227499.
Genomic context (GRCh38, chr6:160,731,733, plus strand): 5'-ATGACTGTATTGATTCCATATCATCCTGGGTCTCTGTGGCTCTTCATAATCATCCATTTT[T>A]TCCCTGTACAGACTGTATGTTTGGGAATGGGAAAGGATACCGAGGCAAGAGGGCGACCAC-3'